The following is an entry in ClinVar:

NM_005026.5(PIK3CD):c.3114G>A (p.Val1038=)

Gene: PIK3CD (phosphatidylinositol-4,5-bisphosphate 3-kinase catalytic subunit delta; plus strand). Cytogenetic location: 1p36.22.
Variant type: single nucleotide variant.
Coding change: c.3114G>A on transcript NM_005026.5 (MANE Select); coding-DNA position 3114, G replaced by A.
Protein change: p.Val1038=; no amino-acid change (valine 1038 retained).
Molecular consequence: synonymous variant.
Genome position (GRCh38, 1-based): chr1:9,727,025, G>A. VCF-style: chr1-9727025-G-A. GRCh37 (hg19) VCF-style: chr1-9787083-G-A.
Other names: c.3111G>A, p.Val1037= (NM_001350234.2); c.3027G>A, p.Val1009= (NM_001350235.1); c.3114G>A (NM_005026.3).
Identifiers: ClinVar variation 1168552 (VCV001168552.11), dbSNP rs138398486, ClinGen allele CA577732.

ClinVar aggregate classification (germline): Benign/Likely benign. Review status: criteria provided, multiple submitters, no conflicts (2 of 4 stars). 3 submissions from 3 submitters: Benign (1); Likely benign (2). Last evaluated 2026-01-26.

Conditions:
Immunodeficiency 14 (IMD14A). Also called: IMMUNODEFICIENCY 14A WITH LYMPHOPROLIFERATION, AUTOSOMAL DOMINANT; p110-DELTA-ACTIVATING MUTATION CAUSING SENESCENT T CELLS, LYMPHADENOPATHY, AND IMMUNODEFICIENCY; ACTIVATED PI3K-DELTA SYNDROME 1; Activated PI3K Delta Syndrome Type 1 (APDS1). Identifiers: Orphanet 397596, Orphanet 693661, MedGen C5907821, MONDO:0014222, OMIM 615513.
PIK3CD-related disorder. Also called: PIK3CD-related condition.

Allele frequency attached by ClinVar (database versions not stated): gnomAD exomes 0.00005 and 0.00014; ExAC 0.00017; gnomAD 0.00048 and 0.00053; TOPMed 0.00059; ESP Exome Variant Server 0.00077.
gnomAD v4.1: 154 of 1,613,968 alleles (0.0095%); highest among the groups gnomAD compares: African/African-American, 0.18%; no homozygotes.

Submissions (3):

Labcorp Genetics (formerly Invitae), Labcorp
Classification: Benign for Activated PI3K-delta syndrome. Last evaluated: 2026-01-26. Review status: criteria provided, single submitter. Criteria: Invitae Variant Classification Sherloc (09022015). Collection method: clinical testing. Allele origin: germline.

PreventionGenetics, part of Exact Sciences
Classification: Likely benign for PIK3CD-related condition. Last evaluated: 2025-07-16. Review status: criteria provided, single submitter. Criteria: ACMG Guidelines, 2015. Collection method: clinical testing. Allele origin: germline.
Comment: This variant is classified as likely benign based on ACMG/AMP sequence variant interpretation guidelines (Richards et al. 2015 PMID: 25741868, with internal and published modifications).

Blueprint Genetics
Classification: Likely benign. Last evaluated: 2024-09-25. Review status: criteria provided, single submitter. Criteria: ACMG Guidelines, 2015. Collection method: clinical testing. Allele origin: germline.